The following is an entry in ClinVar:

NM_001458.5(FLNC):c.4468C>T (p.Pro1490Ser)

Gene: FLNC (filamin C; plus strand). Cytogenetic location: 7q32.1.
Variant type: single nucleotide variant.
Coding change: c.4468C>T on transcript NM_001458.5 (MANE Select); coding-DNA position 4468, C replaced by T.
Protein change: p.Pro1490Ser; replaces proline 1490 with serine.
Molecular consequence: missense variant.
Genome position (GRCh38, 1-based): chr7:128,847,956, C>T. VCF-style: chr7-128847956-C-T. GRCh37 (hg19) VCF-style: chr7-128488010-C-T.
Other names: c.4468C>T, p.Pro1490Ser (NM_001127487.2); c.4468C>T (NM_001458.4); short protein forms P1490S.
Identifiers: ClinVar variation 1020737 (VCV001020737.10), dbSNP rs754076573, ClinGen allele CA4475353.

ClinVar aggregate classification (germline): Conflicting classifications of pathogenicity. Review status: criteria provided, conflicting classifications (1 of 4 stars). 4 submissions from 4 submitters: Uncertain significance (3); Likely benign (1). Last evaluated 2025-07-29.

Conditions:
Myofibrillar myopathy 5. Also called: Filaminopathy (type); FILAMINOPATHY, AUTOSOMAL DOMINANT. Identifiers: Orphanet 171445, MedGen C1836050, MONDO:0012289, OMIM 609524.
Hypertrophic cardiomyopathy 26. Also called: Cardiomyopathy, familial hypertrophic, 26. Identifiers: Orphanet 75249, MedGen C4310749, MONDO:0014883, OMIM 617047.
Distal myopathy with posterior leg and anterior hand involvement. Also called: WILLIAMS DISTAL MYOPATHY. Identifiers: Orphanet 63273, MedGen C3279722, MONDO:0013550, OMIM 614065.
FLNC-related disorder. Also called: FLNC-related disorders; FLNC-related condition.
Cardiovascular phenotype. Identifiers: MedGen CN230736.

Allele frequency attached by ClinVar (database versions not stated): TOPMed 0.00001; gnomAD exomes 0.00002 and 0.00003; gnomAD 0.00003; ExAC 0.00004.
gnomAD v4.1: 30 of 1,613,430 alleles (0.0019%); highest among the groups gnomAD compares: Admixed American, 0.017%; no homozygotes.

Submissions (4):

Labcorp Genetics (formerly Invitae), Labcorp
Classification: Likely benign for Distal myopathy with posterior leg and anterior hand involvement; Myofibrillar myopathy 5; Hypertrophic cardiomyopathy 26. Last evaluated: 2025-07-29. Review status: criteria provided, single submitter. Criteria: Invitae Variant Classification Sherloc (09022015). Collection method: clinical testing. Allele origin: germline.

PreventionGenetics, part of Exact Sciences
Classification: Uncertain significance for FLNC-related condition. Last evaluated: 2025-03-27. Review status: criteria provided, single submitter. Criteria: ACMG Guidelines, 2015. Collection method: clinical testing. Allele origin: germline.
Comment: The FLNC c.4468C>T variant is predicted to result in the amino acid substitution p.Pro1490Ser. This variant has been reported in an individual with cardiomyopathy (Table S2, Akinrinade et al. 2023. PubMed ID: 37477868). This variant is reported in 0.015% of alleles in individuals of Latino descent in gnomAD. At this time, the clinical significance of this variant is uncertain due to the absence of conclusive functional and genetic evidence.

GeneDx
Classification: Uncertain significance. Last evaluated: 2025-01-31. Review status: criteria provided, single submitter. Criteria: GeneDx Variant Classification Process June 2021. Collection method: clinical testing. Allele origin: germline. Affected: yes.
Comment: Reported in a child with cardiomyopathy in published literature; however, no further clinical or segregation information was provided (PMID: 37477868); In silico analysis supports that this missense variant has a deleterious effect on protein structure/function; This variant is associated with the following publications: (PMID: 37477868)

Ambry Genetics
Classification: Uncertain significance for Cardiovascular phenotype. Last evaluated: 2023-10-17. Review status: criteria provided, single submitter. Criteria: Ambry Variant Classification Scheme 2023. Collection method: clinical testing. Allele origin: germline.
Comment: The p.P1490S variant (also known as c.4468C>T), located in coding exon 26 of the FLNC gene, results from a C to T substitution at nucleotide position 4468. The proline at codon 1490 is replaced by serine, an amino acid with similar properties. This variant has been reported in a cardiomyopathy cohort (Akinrinade O et al. J Cardiovasc Transl Res, 2023 Jul;[ePub ahead of print]). This amino acid position is highly conserved in available vertebrate species. In addition, the in silico prediction for this alteration is inconclusive. Since supporting evidence is limited at this time, the clinical significance of this alteration remains unclear.

Literature cited by the submitters: PubMed 37477868 (cited by Ambry Genetics).